The following is an entry in ClinVar:

NM_020163.3(SEMA3G):c.*4G>C

Gene: SEMA3G (semaphorin 3G; minus strand). Cytogenetic location: 3p21.1.
Variant type: single nucleotide variant.
Coding change: c.*4G>C on transcript NM_020163.3 (MANE Select); 4 bases downstream of the stop codon, G replaced by C.
Molecular consequence: 3 prime UTR variant.
Genome position (GRCh38, 1-based): chr3:52,435,599, C>G on the plus strand (G>C on the coding strand, the complement: SEMA3G is on the minus strand). VCF-style: chr3-52435599-C-G. GRCh37 (hg19) VCF-style: chr3-52469615-C-G.
Identifiers: ClinVar variation 3357566 (VCV003357566.1).

ClinVar aggregate classification (germline): Likely benign (0 of 4 stars; one submission).

Conditions:
SEMA3G-related disorder. Also called: SEMA3G-related condition.

Submission:

PreventionGenetics, part of Exact Sciences
Classification: Likely benign for SEMA3G-related condition. Last evaluated: 2023-06-30. Review status: no assertion criteria provided. Collection method: clinical testing. Allele origin: germline.
Comment: This variant is classified as likely benign based on ACMG/AMP sequence variant interpretation guidelines (Richards et al. 2015 PMID: 25741868, with internal and published modifications).